The following is an entry in ClinVar:

ClinVar aggregate classification (germline): Likely benign. Review status: criteria provided, multiple submitters, no conflicts (2 of 4 stars). 3 submissions from 3 submitters: Likely benign (3). Last evaluated 2019-02-28.

Conditions:
Factor VII-activating protease marburg I. Identifiers: MedGen CN068943.

Allele frequency attached by ClinVar (database versions not stated): ESP Exome Variant Server 0.00526; gnomAD 0.00561 and 0.00598; 1000 Genomes Project 30x 0.00609; TOPMed 0.00611; 1000 Genomes Project 0.00619.
gnomAD v4.1: 1,490 of 1,269,930 alleles (0.12%); highest among the groups gnomAD compares: African/African-American, 2%; 18 homozygotes.

Submissions (3):

GeneDx
Classification: Likely benign. Last evaluated: 2019-02-28. Review status: criteria provided, single submitter. Criteria: GeneDx Variant Classification Process June 2021. Collection method: clinical testing. Allele origin: germline. Affected: yes.
Comment: See Variant Classification Assertion Criteria.

Illumina Laboratory Services, Illumina
Classification: Likely benign for Factor VII Marburg I Variant Thrombophilia. Last evaluated: 2018-01-13. Review status: criteria provided, single submitter. Criteria: ICSL Variant Classification Criteria 13 December 2019. Collection method: clinical testing. Allele origin: germline.
Comment: This variant was observed in the ICSL laboratory as part of a predisposition screen in an ostensibly healthy population. It had not been previously curated by ICSL or reported in the Human Gene Mutation Database (HGMD: prior to June 1st, 2018), and was therefore a candidate for classification through an automated scoring system. Utilizing variant allele frequency, disease prevalence and penetrance estimates, and inheritance mode, an automated score was calculated to assess if this variant is too frequent to cause the disease. Based on the score and internal cut-off values, a variant classified as likely benign is not then subjected to further curation. The score for this variant resulted in a classification of likely benign for this disease.

Breakthrough Genomics
Classification: Likely benign. Review status: criteria provided, single submitter. Criteria: ACMG Guidelines, 2015. Collection method: not provided. Allele origin: germline. Inheritance: Autosomal dominant inheritance. Affected: yes.

NM_004132.5(HABP2):c.-58G>C

Gene: HABP2 (hyaluronan binding protein 2; plus strand). Cytogenetic location: 10q25.3.
Variant type: single nucleotide variant.
Coding change: c.-58G>C on transcript NM_004132.5 (MANE Select); 58 bases upstream of the start codon, G replaced by C.
Molecular consequence: 5 prime UTR variant. On other transcripts: intron variant (1).
Genome position (GRCh38, 1-based): chr10:113,553,064, G>C. VCF-style: chr10-113553064-G-C. GRCh37 (hg19) VCF-style: chr10-115312823-G-C.
Other names: c.-10+2103G>C (NM_001177660.3).
Identifiers: ClinVar variation 879380 (VCV000879380.5), dbSNP rs151205492, ClinGen allele CA214440916.